The following is an entry in ClinVar:

ClinVar aggregate classification (germline): Uncertain significance (1 of 4 stars; one submission).

Conditions:
Combined immunodeficiency due to CTPS1 deficiency. Also called: Severe combined immunodeficiency due to CTPS1 deficiency; Immunodeficiency 24. Identifiers: Orphanet 420573, MedGen C4014617, MONDO:0014391, OMIM 615897.

Submission:

Labcorp Genetics (formerly Invitae), Labcorp
Classification: Uncertain significance for Combined immunodeficiency due to CTPS1 deficiency. Last evaluated: 2022-01-27. Review status: criteria provided, single submitter. Criteria: Invitae Variant Classification Sherloc (09022015). Collection method: clinical testing. Allele origin: germline.
Comment: Algorithms developed to predict the effect of missense changes on protein structure and function output the following: SIFT: "Tolerated"; PolyPhen-2: "Probably Damaging"; Align-GVGD: "Class C15". The valine amino acid residue is found in multiple mammalian species, which suggests that this missense change does not adversely affect protein function. In summary, the available evidence is currently insufficient to determine the role of this variant in disease. Therefore, it has been classified as a Variant of Uncertain Significance. Algorithms developed to predict the effect of sequence changes on RNA splicing suggest that this variant may create or strengthen a splice site. This variant has not been reported in the literature in individuals affected with CTPS1-related conditions. This variant is not present in population databases (gnomAD no frequency). This sequence change replaces isoleucine, which is neutral and non-polar, with valine, which is neutral and non-polar, at codon 39 of the CTPS1 protein (p.Ile39Val).

NM_001905.4(CTPS1):c.115A>G (p.Ile39Val)

Gene: CTPS1 (CTP synthase 1; plus strand). Cytogenetic location: 1p34.2.
Variant type: single nucleotide variant.
Coding change: c.115A>G on transcript NM_001905.4 (MANE Select); coding-DNA position 115, A replaced by G.
Protein change: p.Ile39Val; replaces isoleucine 39 with valine.
Molecular consequence: missense variant. On other transcripts: non-coding transcript variant (1).
Genome position (GRCh38, 1-based): chr1:40,983,405, A>G. VCF-style: chr1-40983405-A-G. GRCh37 (hg19) VCF-style: chr1-41449077-A-G.
Other names: short protein forms I39V.
Identifiers: ClinVar variation 1370369 (VCV001370369.8), dbSNP rs2148385706, ClinGen allele CA339901259.